The following is an entry in ClinVar:

ClinVar aggregate classification (germline): Uncertain significance (1 of 4 stars; one submission).

Submission:

Labcorp Genetics (formerly Invitae), Labcorp
Classification: Uncertain significance. Last evaluated: 2025-03-31. Review status: criteria provided, single submitter. Criteria: Invitae Variant Classification Sherloc (09022015). Collection method: clinical testing. Allele origin: germline.
Comment: This sequence change creates a premature translational stop signal (p.Arg266*) in the IFT88 gene. It is expected to result in an absent or disrupted protein product. However, the current clinical and genetic evidence is not sufficient to establish whether loss-of-function variants in IFT88 cause disease. The frequency data for this variant in the population databases is considered unreliable, as metrics indicate poor data quality at this position in the gnomAD database. This premature translational stop signal has been observed in individual(s) with retinal degeneration (PMID: 29978320). Algorithms developed to predict the effect of variants on gene product structure and function are not available or were not evaluated for this variant. Experimental studies have shown that this premature translational stop signal affects IFT88 function (PMID: 29978320). Algorithms developed to predict the effect of sequence changes on RNA splicing suggest that this variant may disrupt the consensus splice site. In summary, the available evidence is currently insufficient to determine the role of this variant in disease. Therefore, it has been classified as a Variant of Uncertain Significance.

Literature cited by the submitters: PubMed 29978320.

NM_006531.5(IFT88):c.769C>T (p.Arg257Ter)

Gene: IFT88 (intraflagellar transport 88; plus strand). Cytogenetic location: 13q12.11.
Variant type: single nucleotide variant.
Coding change: c.769C>T on transcript NM_006531.5 (MANE Select); coding-DNA position 769, C replaced by T.
Protein change: p.Arg257Ter; replaces arginine 257 with a stop codon.
Molecular consequence: nonsense. On other transcripts: non-coding transcript variant (5).
Genome position (GRCh38, 1-based): chr13:20,599,522, C>T. VCF-style: chr13-20599522-C-T. GRCh37 (hg19) VCF-style: chr13-21173661-C-T.
Other names: c.712C>T, p.Arg238Ter (NM_001318491.2, NM_001353573.2, NM_001353574.2 and 1 more transcripts); c.796C>T, p.Arg266Ter (NM_001318493.2, NM_001353565.2, NM_001353566.2 and 6 more transcripts); c.769C>T, p.Arg257Ter (NM_001353568.2, NM_001353571.2, NM_001353572.2 and 1 more transcripts); c.136C>T, p.Arg46Ter (NM_001353579.2); short protein forms R257*, R266*, R46*, R238*.
Identifiers: ClinVar variation 4737639 (VCV004737639.1).